The following is an entry in ClinVar:

NM_022455.5(NSD1):c.3569T>A (p.Leu1190Ter)

Gene: NSD1 (nuclear receptor binding SET domain protein 1; plus strand). Cytogenetic location: 5q35.3.
Variant type: single nucleotide variant.
Coding change: c.3569T>A on transcript NM_022455.5 (MANE Select); coding-DNA position 3569, T replaced by A.
Protein change: p.Leu1190Ter; replaces leucine 1190 with a stop codon.
Molecular consequence: nonsense.
Genome position (GRCh38, 1-based): chr5:177,211,968, T>A. VCF-style: chr5-177211968-T-A. GRCh37 (hg19) VCF-style: chr5-176638969-T-A.
Other names: c.2696T>A, p.Leu899Ter (NM_001365684.2, NM_001409306.1, NM_001409307.1 and 3 more transcripts); c.3569T>A, p.Leu1190Ter (NM_001409301.1, NM_001409302.1, NM_001409303.1); c.3149T>A, p.Leu1050Ter (NM_001409304.1); c.2816T>A, p.Leu939Ter (NM_001409305.1); short protein forms L1050*, L899*, L939*, L1190*.
Identifiers: ClinVar variation 3633275 (VCV003633275.2).

ClinVar aggregate classification (germline): Pathogenic (1 of 4 stars; one submission).

Submission:

Labcorp Genetics (formerly Invitae), Labcorp
Classification: Pathogenic. Last evaluated: 2024-01-25. Review status: criteria provided, single submitter. Criteria: Invitae Variant Classification Sherloc (09022015). Collection method: clinical testing. Allele origin: germline.
Comment: This sequence change creates a premature translational stop signal (p.Leu1190*) in the NSD1 gene. It is expected to result in an absent or disrupted protein product. Loss-of-function variants in NSD1 are known to be pathogenic (PMID: 12464997, 14571271, 15942875, 16247291). This variant is not present in population databases (gnomAD no frequency). This variant has not been reported in the literature in individuals affected with NSD1-related conditions. For these reasons, this variant has been classified as Pathogenic.

Literature cited by the submitters: PubMed 12464997; PubMed 14571271; PubMed 15942875; PubMed 16247291.